The following is an entry in ClinVar:

ClinVar aggregate classification (germline): Uncertain significance (1 of 4 stars; one submission).

Submission:

GeneDx
Classification: Uncertain significance. Last evaluated: 2024-06-05. Review status: criteria provided, single submitter. Criteria: GeneDx Variant Classification Process June 2021. Collection method: clinical testing. Allele origin: germline. Affected: yes.
Comment: Not observed at significant frequency in large population cohorts (gnomAD); In silico analysis supports that this missense variant has a deleterious effect on protein structure/function; Has not been previously published as pathogenic or benign to our knowledge

NM_003106.4(SOX2):c.689A>T (p.Gln230Leu)

Genes: SOX2 (SRY-box transcription factor 2; plus strand), SOX2-OT (SOX2 overlapping transcript; plus strand). Cytogenetic location: 3q26.33.
Variant type: single nucleotide variant.
Coding change: c.689A>T on transcript NM_003106.4 (MANE Select); coding-DNA position 689, A replaced by T.
Protein change: p.Gln230Leu; replaces glutamine 230 with leucine.
Molecular consequence: missense variant.
Genome position (GRCh38, 1-based): chr3:181,713,049, A>T. VCF-style: chr3-181713049-A-T. GRCh37 (hg19) VCF-style: chr3-181430837-A-T.
Other names: short protein forms Q230L.
Identifiers: ClinVar variation 3384271 (VCV003384271.1).